The following is an entry in ClinVar:

ClinVar aggregate classification (germline): Uncertain significance (1 of 4 stars; one submission).

Conditions:
Developmental and epileptic encephalopathy, 46 (DEE46). Also called: GRIN2D-Related Developmental and Epileptic Encephalopathy; Epileptic encephalopathy, early infantile, 46. Identifiers: MedGen C4310687, MONDO:0014947, OMIM 617162.

Submission:

Center for Genomics, Ann and Robert H. Lurie Children's Hospital of Chicago
Classification: Uncertain significance for Developmental and epileptic encephalopathy, 46. Last evaluated: 2022-12-29. Review status: criteria provided, single submitter. Criteria: ACMG Guidelines, 2015. Collection method: clinical testing. Allele origin: germline.
Comment: This variant has not been reported in the literature and is not present in large control databases. However, a variant with the same amino acid effect is present in the Genome Aggregation Database (Highest reported MAF 0.001% [1/67258]). Evolutionary conservation and computational prediction tools suggest that this variant may not impact the protein. This variant represents a deletion and insertion of 3 nucleotides resulting in a single amino acid change. In summary, data on this variant is insufficient for disease classification. Therefore, the clinical significance of this variant is uncertain.

NM_000836.4(GRIN2D):c.2695_2697delinsACC (p.Ala899Thr)

Gene: GRIN2D (glutamate ionotropic receptor NMDA type subunit 2D; plus strand). Cytogenetic location: 19q13.33.
Variant type: Indel.
Coding change: c.2695_2697delinsACC on transcript NM_000836.4 (MANE Select); coding-DNA positions 2695 to 2697, GCT replaced by ACC.
Protein change: p.Ala899Thr; replaces alanine 899 with threonine.
Molecular consequence: missense variant.
Genome position (GRCh38, 1-based): chr19:48,442,621-48,442,623, GCT replaced by ACC. VCF-style: chr19-48442621-GCT-ACC. GRCh37 (hg19) VCF-style: chr19-48945878-GCT-ACC.
Other names: short protein forms A899T.
Identifiers: ClinVar variation 2501750 (VCV002501750.1), dbSNP rs2513691647, ClinGen allele CA2580614930.